The following is an entry in ClinVar:

ClinVar aggregate classification (germline): Benign. Review status: criteria provided, multiple submitters, no conflicts (2 of 4 stars). 2 submissions from 2 submitters: Benign (2). Last evaluated 2017-01-12.

Allele frequency attached by ClinVar (database versions not stated): gnomAD exomes 0.00160; ExAC 0.00173; 1000 Genomes Project 0.00559; gnomAD 0.00587 and 0.00641; 1000 Genomes Project 30x 0.00593; ESP Exome Variant Server 0.00603; TOPMed 0.00636.
gnomAD v4.1: 1,741 of 1,612,612 alleles (0.11%); highest among the groups gnomAD compares: African/African-American, 2%; 15 homozygotes.

Submissions (2):

GeneDx
Classification: Benign. Last evaluated: 2017-01-12. Review status: criteria provided, single submitter. Criteria: GeneDx Variant Classification (06012015). Collection method: clinical testing. Allele origin: germline. Affected: yes.
Comment: This variant is considered likely benign or benign based on one or more of the following criteria: it is a conservative change, it occurs at a poorly conserved position in the protein, it is predicted to be benign by multiple in silico algorithms, and/or has population frequency not consistent with disease.

Laboratory for Molecular Medicine, Mass General Brigham Personalized Medicine
Classification: Benign. Last evaluated: 2014-11-24. Review status: criteria provided, single submitter. Criteria: LMM Criteria. Collection method: clinical testing. Allele origin: germline. Observed: 3 variant alleles.
Comment: 408+6C>A in intron 1 of MURC: This variant is not expected to have clinical sign ificance because it has been identified in 1.8% (77/4394) of African American ch romosomes from a broad population by the NHLBI Exome Sequencing Project (dbSNP rs116000902).

NM_001018116.2(CAVIN4):c.408+6C>A

Gene: CAVIN4 (caveolae associated protein 4; plus strand). Cytogenetic location: 9q31.1.
Variant type: single nucleotide variant.
Coding change: c.408+6C>A on transcript NM_001018116.2 (MANE Select); 6 bases into the intron after coding-DNA position 408, C replaced by A.
Molecular consequence: intron variant.
Genome position (GRCh38, 1-based): chr9:100,578,557, C>A. VCF-style: chr9-100578557-C-A. GRCh37 (hg19) VCF-style: chr9-103340839-C-A.
Identifiers: ClinVar variation 390964 (VCV000390964.4), dbSNP rs116000902, ClinGen allele CA5160052.
Genomic context (GRCh38, chr9:100,578,557, plus strand): 5'-AGTCAAGCAAGAGGAAATAATGAAGAAAAACAAATTCCGCGTGGTAATATTCCAGGTAAG[C>A]TTGCACTTGTGTTCAGCTTGCTTGTTCTAATCTCTTGCATCTTTTAATTGCCAAAAGTCA-3'